The following is an entry in ClinVar:

ClinVar aggregate classification (germline): Uncertain significance. Review status: criteria provided, multiple submitters, no conflicts (2 of 4 stars). 4 submissions from 3 submitters: Uncertain significance (3). 1 of the submissions does not count toward it. Last evaluated 2024-10-24.

Conditions:
Mitochondrial DNA depletion syndrome 13. Also called: Mitochondrial DNA depletion syndrome 13 (encephalomyopathic type); FBXL4-Related Encephalomyopathic Mitochondrial DNA Depletion Syndrome. Identifiers: Orphanet 369897, MedGen C3809592, MONDO:0014198, OMIM 615471.

Allele frequency attached by ClinVar (database versions not stated): gnomAD exomes 0.00007 and 0.00010; ExAC 0.00009; gnomAD 0.00001 and 0.00002; TOPMed 0.00001.
gnomAD v4.1: 104 of 1,614,042 alleles (0.0064%); highest among the groups gnomAD compares: South Asian, 0.1%; no homozygotes.

Submissions (4):

Labcorp Genetics (formerly Invitae), Labcorp
Classification: Uncertain significance. Last evaluated: 2024-10-24. Review status: criteria provided, single submitter. Criteria: Invitae Variant Classification Sherloc (09022015). Collection method: clinical testing. Allele origin: germline.
Comment: This sequence change replaces serine, which is neutral and polar, with cysteine, which is neutral and slightly polar, at codon 342 of the FBXL4 protein (p.Ser342Cys). This variant is present in population databases (rs780707718, gnomAD 0.07%). This variant has not been reported in the literature in individuals affected with FBXL4-related conditions. ClinVar contains an entry for this variant (Variation ID: 373158). Invitae Evidence Modeling of protein sequence and biophysical properties (such as structural, functional, and spatial information, amino acid conservation, physicochemical variation, residue mobility, and thermodynamic stability) has been performed for this missense variant. However, the output from this modeling did not meet the statistical confidence thresholds required to predict the impact of this variant on FBXL4 protein function. In summary, the available evidence is currently insufficient to determine the role of this variant in disease. Therefore, it has been classified as a Variant of Uncertain Significance.

GeneDx
Classification: Uncertain significance. Last evaluated: 2019-09-10. Review status: criteria provided, single submitter. Criteria: GeneDx Variant Classification Process June 2021. Collection method: clinical testing. Allele origin: germline. Affected: yes.
Comment: In silico analysis, which includes protein predictors and evolutionary conservation, supports that this variant does not alter protein structure/function; Has not been previously published as pathogenic or benign to our knowledge

Wong Mito Lab, Molecular and Human Genetics, Baylor College of Medicine
Classification: Uncertain significance for Mitochondrial DNA depletion syndrome 13. Last evaluated: 2017-08-10. Review status: criteria provided, single submitter. Criteria: ACMG Guidelines, 2015. Collection method: reference population. Allele origin: germline.
Comment: The NM_012160.4:c.1025C>G (NP_036292.2:p.Ser342Cys) [GRCH38: NC_000006.12:g.98905504G>C] variant in FBXL4 gene is interpretated to be a Uncertain Significance - Conflicting Evidence based on ACMG guidelines (PMID: 25741868). This variant meets one or more of the following evidence codes reported in the ACMG-guideline. PM2:This variant is absent in key population databases. BP4:Computational evidence/predictors indicate no impact on the FBXL4 structure, function, or protein-protein interaction. Based on this evidence code ClinGen Pathogenicity Calculator (PMID:28081714) suggested that the variant is Uncertain Significance - Conflicting Evidence.

GeneDx
Classification: Uncertain significance. Last evaluated: 2016-11-28. Review status: flagged submission. Criteria: GeneDx Variant Classification (06012015). Collection method: clinical testing. Allele origin: germline. Affected: yes. Not counted in ClinVar's aggregate classification.
Comment: The S342C variant in the FBXL4 gene has not been reported previously as a pathogenic variant, nor as a benign variant, to our knowledge. The S342C variant was not observed in approximately 6,500 individuals of European and African American ancestry in the NHLBI Exome Sequencing Project, indicating it is not a common benign variant in these populations. The S342C variant is a non-conservative amino acid substitution, which is likely to impact secondary protein structure as these residues differ in polarity, charge, size and/or other properties. However, this substitution occurs at a position that is not conserved and in silico analysis is inconsistent in its predictions as to whether or not the variant is damaging to the protein structure/function. We interpret S342C as a variant of uncertain significance.
ClinVar note: Reason: This record appears to be redundant with a more recent record from the same submitter.
ClinVar note: Notes: SCV000491727 appears to be redundant with SCV001987957.

NM_001278716.2(FBXL4):c.1025C>G (p.Ser342Cys)

Gene: FBXL4 (F-box and leucine rich repeat protein 4; minus strand). Cytogenetic location: 6q16.2.
Variant type: single nucleotide variant.
Coding change: c.1025C>G on transcript NM_001278716.2 (MANE Select); coding-DNA position 1025, C replaced by G.
Protein change: p.Ser342Cys; replaces serine 342 with cysteine.
Molecular consequence: missense variant. On other transcripts: non-coding transcript variant (2).
Genome position (GRCh38, 1-based): chr6:98,905,504, G>C on the plus strand (C>G on the coding strand, the complement: FBXL4 is on the minus strand). VCF-style: chr6-98905504-G-C. GRCh37 (hg19) VCF-style: chr6-99353380-G-C.
Other names: c.1025C>G, p.Ser342Cys (NM_012160.5); short protein forms S342C.
Identifiers: ClinVar variation 373158 (VCV000373158.6), dbSNP rs780707718, ClinGen allele CA3933561.